The following is an entry in ClinVar:

NM_138638.5(CFL2):c.301T>C (p.Phe101Leu)

Gene: CFL2 (cofilin 2; minus strand). Cytogenetic location: 14q13.1.
Variant type: single nucleotide variant.
Coding change: c.301T>C on transcript NM_138638.5 (MANE Select); coding-DNA position 301, T replaced by C.
Protein change: p.Phe101Leu; replaces phenylalanine 101 with leucine.
Molecular consequence: missense variant.
Genome position (GRCh38, 1-based): chr14:34,713,264, A>G on the plus strand (T>C on the coding strand, the complement: CFL2 is on the minus strand). VCF-style: chr14-34713264-A-G. GRCh37 (hg19) VCF-style: chr14-35182470-A-G.
Other names: c.250T>C, p.Phe84Leu (NM_001243645.2); c.301T>C, p.Phe101Leu (NM_021914.8); short protein forms F101L, F84L.
Identifiers: ClinVar variation 1714379 (VCV001714379.5), dbSNP rs2502578803, ClinGen allele CA389421517.

ClinVar aggregate classification (germline): Uncertain significance (1 of 4 stars; one submission).

Conditions:
Nemaline myopathy 7 (NEM7). Also called: Nemaline myopathy 7, autosomal recessive. Identifiers: Orphanet 171436, MedGen C1853154, MONDO:0012538, OMIM 610687.

Submission:

Labcorp Genetics (formerly Invitae), Labcorp
Classification: Uncertain significance for Nemaline myopathy 7. Last evaluated: 2023-07-17. Review status: criteria provided, single submitter. Criteria: Invitae Variant Classification Sherloc (09022015). Collection method: clinical testing. Allele origin: germline.
Comment: This variant is not present in population databases (gnomAD no frequency). In summary, the available evidence is currently insufficient to determine the role of this variant in disease. Therefore, it has been classified as a Variant of Uncertain Significance. An algorithm developed to predict the effect of missense changes on protein structure and function (PolyPhen-2) suggests that this variant is likely to be tolerated. ClinVar contains an entry for this variant (Variation ID: 1714379). This variant has not been reported in the literature in individuals affected with CFL2-related conditions. This sequence change replaces phenylalanine, which is neutral and non-polar, with leucine, which is neutral and non-polar, at codon 101 of the CFL2 protein (p.Phe101Leu).